The following is an entry in ClinVar:

ClinVar aggregate classification (germline): Conflicting classifications of pathogenicity. Review status: criteria provided, conflicting classifications (1 of 4 stars). 3 submissions from 3 submitters: Uncertain significance (2); Benign (1). Last evaluated 2025-11-21.

Conditions:
CACNA1H-related disorder.
Idiopathic generalized epilepsy. Also called: EIG; Generalised epilepsy. Identifiers: MedGen C0270850, MONDO:0005579, OMIM 600669.
Hyperaldosteronism, familial, type IV (HALD4). Also called: FH IV; ALDOSTERONISM, PRIMARY, AND HYPERTENSION. Identifiers: Orphanet 642671, MedGen C4310756, MONDO:0014875, OMIM 617027.

Allele frequency attached by ClinVar (database versions not stated): ExAC 0.00013; ESP Exome Variant Server 0.00049; gnomAD 0.00008 and 0.00009; gnomAD exomes 0.00008; TOPMed 0.00012.
gnomAD v4.1: 102 of 1,561,096 alleles (0.0065%); highest among the groups gnomAD compares: Middle Eastern, 0.017%; no homozygotes.

Submissions (3):

PreventionGenetics, part of Exact Sciences
Classification: Uncertain significance for CACNA1H-related condition. Last evaluated: 2025-11-21. Review status: criteria provided, single submitter. Criteria: ACMG Guidelines, 2015. Collection method: clinical testing. Allele origin: germline.
Comment: The CACNA1H c.433G>A variant is predicted to result in the amino acid substitution p.Ala145Thr. To our knowledge, this variant has not been reported in the literature. This variant is reported in 0.017% of alleles in individuals of African descent in gnomAD. At this time, the clinical significance of this variant is uncertain due to the absence of conclusive functional and genetic evidence.

Labcorp Genetics (formerly Invitae), Labcorp
Classification: Benign for Idiopathic generalized epilepsy; Hyperaldosteronism, familial, type IV. Last evaluated: 2025-09-16. Review status: criteria provided, single submitter. Criteria: Invitae Variant Classification Sherloc (09022015). Collection method: clinical testing. Allele origin: germline.

Blueprint Genetics
Classification: Uncertain significance. Last evaluated: 2024-02-16. Review status: criteria provided, single submitter. Criteria: ACMG Guidelines, 2015. Collection method: clinical testing. Allele origin: germline.

NM_021098.3(CACNA1H):c.433G>A (p.Ala145Thr)

Gene: CACNA1H (calcium voltage-gated channel subunit alpha1 H; plus strand). Cytogenetic location: 16p13.3.
Variant type: single nucleotide variant.
Coding change: c.433G>A on transcript NM_021098.3 (MANE Select); coding-DNA position 433, G replaced by A.
Protein change: p.Ala145Thr; replaces alanine 145 with threonine.
Molecular consequence: missense variant.
Genome position (GRCh38, 1-based): chr16:1,195,453, G>A. VCF-style: chr16-1195453-G-A. GRCh37 (hg19) VCF-style: chr16-1245453-G-A.
Other names: c.433G>A, p.Ala145Thr (NM_001005407.2); short protein forms A145T.
Identifiers: ClinVar variation 962451 (VCV000962451.9), dbSNP rs200483658, ClinGen allele CA7799426.